The following is an entry in ClinVar:

ClinVar aggregate classification (germline): Benign (1 of 4 stars; one submission).

Allele frequency attached by ClinVar (database versions not stated): TOPMed 0.28795; 1000 Genomes Project 30x 0.32308; 1000 Genomes Project 0.33107.

Submission:

GeneDx
Classification: Benign. Last evaluated: 2018-06-16. Review status: criteria provided, single submitter. Criteria: GeneDx Variant Classification (06012015). Collection method: clinical testing. Allele origin: germline. Affected: yes.
Comment: This variant is considered likely benign or benign based on one or more of the following criteria: it is a conservative change, it occurs at a poorly conserved position in the protein, it is predicted to be benign by multiple in silico algorithms, and/or has population frequency not consistent with disease.

NM_018249.6(CDK5RAP2):c.5578+133A>C

Gene: CDK5RAP2 (CDK5 regulatory subunit associated protein 2; minus strand). Cytogenetic location: 9q33.2.
Variant type: single nucleotide variant.
Coding change: c.5578+133A>C on transcript NM_018249.6 (MANE Select); 133 bases into the intron after coding-DNA position 5578, A replaced by C.
Molecular consequence: intron variant.
Genome position (GRCh38, 1-based): chr9:120,394,379, T>G on the plus strand (A>C on the coding strand, the complement: CDK5RAP2 is on the minus strand). VCF-style: chr9-120394379-T-G. GRCh37 (hg19) VCF-style: chr9-123156657-T-G.
Other names: c.4888+133A>C (NM_001272039.2); c.5341+133A>C (NM_001011649.3).
Identifiers: ClinVar variation 678330 (VCV000678330.1), dbSNP rs10984901, ClinGen allele CA13038127.